The following is an entry in ClinVar:

ClinVar aggregate classification (germline): Benign/Likely benign. Review status: criteria provided, multiple submitters, no conflicts (2 of 4 stars). 6 submissions from 6 submitters: Benign (5); Likely benign (1). Last evaluated 2026-02-04.

Conditions:
Primary ciliary dyskinesia 18. Also called: CILIARY DYSKINESIA, PRIMARY, 18, WITH OR WITHOUT SITUS INVERSUS. Identifiers: Orphanet 244, MedGen C3543825, MONDO:0013940, OMIM 614874.
Primary ciliary dyskinesia. Also called: Ciliary dyskinesia. Identifiers: Orphanet 244, MedGen C0008780, MONDO:0016575, HP:0012265.

Allele frequency attached by ClinVar (database versions not stated): gnomAD exomes 0.82009 and 0.83291; 1000 Genomes Project 30x 0.82495; 1000 Genomes Project 0.82668; gnomAD 0.83091 and 0.83152; TOPMed 0.83302; ExAC 0.83334; ESP Exome Variant Server 0.83872.
gnomAD v4.1: 1,314,258 of 1,578,238 alleles (83%); highest among the groups gnomAD compares: South Asian, 90%; 548,324 homozygotes.

Submissions (6):

Labcorp Genetics (formerly Invitae), Labcorp
Classification: Benign for Primary ciliary dyskinesia. Last evaluated: 2026-02-04. Review status: criteria provided, single submitter. Criteria: Invitae Variant Classification Sherloc (09022015). Collection method: clinical testing. Allele origin: germline.

Blueprint Genetics
Classification: Likely benign. Last evaluated: 2024-11-27. Review status: criteria provided, single submitter. Criteria: ACMG Guidelines, 2015. Collection method: clinical testing. Allele origin: germline.

Genome-Nilou Lab
Classification: Benign for Primary ciliary dyskinesia 18. Last evaluated: 2021-07-14. Review status: criteria provided, single submitter. Criteria: ACMG Guidelines, 2015. Collection method: clinical testing. Allele origin: germline. Affected: no.

GeneDx
Classification: Benign. Last evaluated: 2018-11-12. Review status: criteria provided, single submitter. Criteria: GeneDx Variant Classification Process June 2021. Collection method: clinical testing. Allele origin: germline. Affected: yes.

Laboratory for Molecular Medicine, Mass General Brigham Personalized Medicine
Classification: Benign. Last evaluated: 2016-03-29. Review status: criteria provided, single submitter. Criteria: LMM Criteria. Collection method: clinical testing. Allele origin: germline.
Comment: Variant identified in a genome or exome case(s) and assessed due to predicted null impact of the variant or pathogenic assertions in the literature or databases. Disclaimer: This variant has not undergone full assessment. The following are preliminary notes: Frequency

PreventionGenetics, part of Exact Sciences
Classification: Benign. Review status: criteria provided, single submitter. Criteria: ACMG Guidelines, 2015. Collection method: clinical testing. Allele origin: germline.

NM_017802.4(DNAAF5):c.1257+13A>G

Gene: DNAAF5 (dynein axonemal assembly factor 5; plus strand). Cytogenetic location: 7p22.3.
Variant type: single nucleotide variant.
Coding change: c.1257+13A>G on transcript NM_017802.4 (MANE Select); 13 bases into the intron after coding-DNA position 1257, A replaced by G.
Molecular consequence: intron variant.
Genome position (GRCh38, 1-based): chr7:754,834, A>G. VCF-style: chr7-754834-A-G. GRCh37 (hg19) VCF-style: chr7-794471-A-G.
Identifiers: ClinVar variation 260922 (VCV000260922.19), dbSNP rs34761279, ClinGen allele CA4110652.